The following is an entry in ClinVar:

NM_001127222.2(CACNA1A):c.4877G>A (p.Arg1626His)

Gene: CACNA1A (calcium voltage-gated channel subunit alpha1 A; minus strand). Cytogenetic location: 19p13.13.
Variant type: single nucleotide variant.
Coding change: c.4877G>A on transcript NM_001127222.2 (MANE Select); coding-DNA position 4877, G replaced by A.
Protein change: p.Arg1626His; replaces arginine 1626 with histidine.
Molecular consequence: missense variant.
Genome position (GRCh38, 1-based): chr19:13,245,255, C>T on the plus strand (G>A on the coding strand, the complement: CACNA1A is on the minus strand). VCF-style: chr19-13245255-C-T. GRCh37 (hg19) VCF-style: chr19-13356069-C-T.
Other names: c.4889G>A, p.Arg1630His (NM_000068.4, NM_023035.3); c.4880G>A, p.Arg1627His (NM_001127221.2, NM_001174080.2); short protein forms R1627H, R1630H, R1626H.
Identifiers: ClinVar variation 567087 (VCV000567087.31), dbSNP rs777769751, ClinGen allele CA9239906.

ClinVar aggregate classification (germline): Uncertain significance. Review status: criteria provided, multiple submitters, no conflicts (2 of 4 stars). 2 submissions from 2 submitters: Uncertain significance (2). Last evaluated 2025-07-14.

Conditions:
Developmental and epileptic encephalopathy, 42 (DEE42A). Also called: DEVELOPMENTAL AND EPILEPTIC ENCEPHALOPATHY 42A; Epileptic encephalopathy, early infantile, 42; EPILEPTIC ENCEPHALOPATHY, EARLY INFANTILE, 42A. Identifiers: MedGen C4310716, MONDO:0014917, OMIM 617106.
Episodic ataxia type 2 (EA2). Also called: ATAXIA, EPISODIC, WITH NYSTAGMUS; ATAXIA, FAMILIAL PAROXYSMAL; CEREBELLAR ATAXIA, PAROXYSMAL, ACETAZOLAMIDE-RESPONSIVE; CEREBELLOPATHY, HEREDITARY PAROXYSMAL; EPISODIC ATAXIA, NYSTAGMUS-ASSOCIATED; ACETAZOLAMIDE-RESPONSIVE HEREDITARY PAROXYSMAL CEREBELLAR ATAXIA. Identifiers: Orphanet 97, MedGen C1720416, MONDO:0007163, OMIM 108500.

Allele frequency attached by ClinVar (database versions not stated): gnomAD 0.00001; gnomAD exomes 0.00002 and 0.00004; TOPMed 0.00002; ExAC 0.00005.
gnomAD v4.1: 24 of 1,613,592 alleles (0.0015%); highest among the groups gnomAD compares: Non-Finnish European, 0.0015%; no homozygotes.

Submissions (2):

Labcorp Genetics (formerly Invitae), Labcorp
Classification: Uncertain significance for Developmental and epileptic encephalopathy, 42; Episodic ataxia type 2. Last evaluated: 2025-07-14. Review status: criteria provided, single submitter. Criteria: Invitae Variant Classification Sherloc (09022015). Collection method: clinical testing. Allele origin: germline.
Comment: This sequence change replaces arginine, which is basic and polar, with histidine, which is basic and polar, at codon 1627 of the CACNA1A protein (p.Arg1627His). This variant is present in population databases (rs777769751, gnomAD 0.03%). This missense change has been observed in individual(s) with CACNA1A-related conditions (PMID: 38003033). ClinVar contains an entry for this variant (Variation ID: 567087). Invitae Evidence Modeling of protein sequence and biophysical properties (such as structural, functional, and spatial information, amino acid conservation, physicochemical variation, residue mobility, and thermodynamic stability) has been performed for this missense variant. However, the output from this modeling did not meet the statistical confidence thresholds required to predict the impact of this variant on CACNA1A protein function. In summary, the available evidence is currently insufficient to determine the role of this variant in disease. Therefore, it has been classified as a Variant of Uncertain Significance.

CeGaT Center for Human Genetics Tuebingen
Classification: Uncertain significance. Last evaluated: 2022-03-01. Review status: criteria provided, single submitter. Criteria: CeGaT Center For Human Genetics Tuebingen Variant Classification Criteria Version 2. Collection method: clinical testing. Allele origin: germline. Affected: yes. Observed: 1 variant allele.
Comment: CACNA1A: PP2, PP3

Literature cited by the submitters: PubMed 38003033 (cited by Labcorp Genetics (formerly Invitae), Labcorp).